The following is an entry in ClinVar:

NM_001017420.3(ESCO2):c.1492A>T (p.Lys498Ter)

Gene: ESCO2 (establishment of sister chromatid cohesion N-acetyltransferase 2; plus strand). Cytogenetic location: 8p21.1.
Variant type: single nucleotide variant.
Coding change: c.1492A>T on transcript NM_001017420.3 (MANE Select); coding-DNA position 1492, A replaced by T.
Protein change: p.Lys498Ter; replaces lysine 498 with a stop codon.
Molecular consequence: nonsense.
Genome position (GRCh38, 1-based): chr8:27,792,806, A>T. VCF-style: chr8-27792806-A-T. GRCh37 (hg19) VCF-style: chr8-27650323-A-T.
Other names: short protein forms K498*.
Identifiers: ClinVar variation 1992937 (VCV001992937.4), dbSNP rs2486666085, ClinGen allele CA370825823.

ClinVar aggregate classification (germline): Pathogenic (1 of 4 stars; one submission).

Submission:

Labcorp Genetics (formerly Invitae), Labcorp
Classification: Pathogenic. Last evaluated: 2022-05-11. Review status: criteria provided, single submitter. Criteria: Invitae Variant Classification Sherloc (09022015). Collection method: clinical testing. Allele origin: germline.
Comment: For these reasons, this variant has been classified as Pathogenic. This variant has not been reported in the literature in individuals affected with ESCO2-related conditions. This variant is not present in population databases (gnomAD no frequency). This sequence change creates a premature translational stop signal (p.Lys498*) in the ESCO2 gene. It is expected to result in an absent or disrupted protein product. Loss-of-function variants in ESCO2 are known to be pathogenic (PMID: 15821733, 16380922).

Literature cited by the submitters: PubMed 15821733; PubMed 16380922.